The following is an entry in ClinVar:

ClinVar aggregate classification (germline): Likely benign. Review status: criteria provided, multiple submitters, no conflicts (2 of 4 stars). 4 submissions from 4 submitters: Likely benign (4). Last evaluated 2026-04-12.

Conditions:
ATP7B-related disorder. Also called: ATP7B-related condition.
Wilson disease (WND). Also called: Wilson's disease. Identifiers: Orphanet 905, MedGen C0019202, MONDO:0010200, OMIM 277900. Disease mechanism: loss of function.

Submissions (4):

PreventionGenetics, part of Exact Sciences
Classification: Likely benign for ATP7B-related condition. Last evaluated: 2026-04-12. Review status: criteria provided, single submitter. Criteria: ACMG Guidelines, 2015. Collection method: clinical testing. Allele origin: germline.
Comment: This variant is classified as likely benign based on ACMG/AMP sequence variant interpretation guidelines (Richards et al. 2015 PMID: 25741868, with internal and published modifications).

Labcorp Genetics (formerly Invitae), Labcorp
Classification: Likely benign for Wilson disease. Last evaluated: 2025-01-06. Review status: criteria provided, single submitter. Criteria: Invitae Variant Classification Sherloc (09022015). Collection method: clinical testing. Allele origin: germline.

All of Us Research Program, National Institutes of Health
Classification: Likely benign for Wilson disease. Last evaluated: 2023-05-30. Review status: criteria provided, single submitter. Criteria: ACMG Guidelines, 2015. Collection method: clinical testing. Allele origin: germline. Inheritance: Autosomal recessive inheritance. Observed: 1 variant allele, 1 heterozygote.
Comment: This study involves interpretation of variants in research participants for the purpose of population health screening. Participant phenotype was not available at the time of variant classification. Additional details can be found in publication PMID: 35346344, PMCID: PMC8962531

Color Diagnostics, LLC DBA Color Health
Classification: Likely benign for Wilson disease. Last evaluated: 2022-09-21. Review status: criteria provided, single submitter. Criteria: ACMG Guidelines, 2015. Collection method: clinical testing. Allele origin: germline.

NM_000053.4(ATP7B):c.3828C>G (p.Ala1276=)

Gene: ATP7B (ATPase copper transporting beta; minus strand). Cytogenetic location: 13q14.3.
Variant type: single nucleotide variant.
Coding change: c.3828C>G on transcript NM_000053.4 (MANE Select); coding-DNA position 3828, C replaced by G.
Protein change: p.Ala1276=; no amino-acid change (alanine 1276 retained).
Molecular consequence: synonymous variant. On other transcripts: intron variant (1).
Genome position (GRCh38, 1-based): chr13:51,937,551, G>C on the plus strand (C>G on the coding strand, the complement: ATP7B is on the minus strand). VCF-style: chr13-51937551-G-C. GRCh37 (hg19) VCF-style: chr13-52511687-G-C.
Other names: c.3576C>G, p.Ala1192= (NM_001406532.1, NM_001330579.2, NM_001406531.1); c.3540C>G, p.Ala1180= (NM_001406534.1); c.3498C>G, p.Ala1166= (NM_001406535.1, NM_001406536.1); c.3489C>G, p.Ala1163= (NM_001406537.1); c.3450C>G, p.Ala1150= (NM_001406538.1); c.3399C>G, p.Ala1133= (NM_001406539.1); c.3381C>G, p.Ala1127= (NM_001406540.1); c.3342C>G, p.Ala1114= (NM_001406541.1, NM_001406542.1); and 22 more.
Identifiers: ClinVar variation 3018356 (VCV003018356.6), dbSNP rs1414089314, ClinGen allele CA484024319.